The following is an entry in ClinVar:

NM_000153.4(GALC):c.1270C>T (p.Gln424Ter)

Gene: GALC (galactosylceramidase; minus strand). Cytogenetic location: 14q31.3.
Variant type: single nucleotide variant.
Coding change: c.1270C>T on transcript NM_000153.4 (MANE Select); coding-DNA position 1270, C replaced by T.
Protein change: p.Gln424Ter; replaces glutamine 424 with a stop codon.
Molecular consequence: nonsense.
Genome position (GRCh38, 1-based): chr14:87,949,913, G>A on the plus strand (C>T on the coding strand, the complement: GALC is on the minus strand). VCF-style: chr14-87949913-G-A. GRCh37 (hg19) VCF-style: chr14-88416257-G-A.
Other names: c.1201C>T, p.Gln401Ter (NM_001201401.2); c.1192C>T, p.Gln398Ter (NM_001201402.2); short protein forms Q398*, Q401*, Q424*.
Identifiers: ClinVar variation 1425129 (VCV001425129.7), dbSNP rs2139961653, ClinGen allele CA390746847.

ClinVar aggregate classification (germline): Pathogenic. Review status: criteria provided, multiple submitters, no conflicts (2 of 4 stars). 2 submissions from 2 submitters: Pathogenic (2). Last evaluated 2026-08-03.

Conditions:
Galactosylceramide beta-galactosidase deficiency. Also called: GALACTOCEREBROSIDASE DEFICIENCY; GALC DEFICIENCY; GLOBOID CELL LEUKOENCEPHALOPATHY; Leukodystrophy, Globoid Cell; Krabbe Disease. Identifiers: Orphanet 487, MedGen C0023521, MONDO:0009499, OMIM 245200.

gnomAD v4.1: 1 of 1,570,186 alleles (0.000064%); no homozygotes.

Submissions (2):

Genelabs Medical  (pvt) Ltd
Classification: Pathogenic for Galactosylceramide beta-galactosidase deficiency. Last evaluated: 2026-08-03. Review status: criteria provided, single submitter. Criteria: ACMG Guidelines, 2015. Collection method: clinical testing. Allele origin: germline. Inheritance: Autosomal recessive inheritance. Affected: no. Observed: 1 heterozygote.
Comment: The nonsense variant NM_000153.4(GALC):c.1270C>T (p.Gln424Ter) introduces a premature termination codon at amino acid position 424. The variant is located in exon 12 of 17 and is predicted to undergo nonsense-mediated decay (NMD), likely resulting in loss of functional GALC protein. GALC has a definitive gene–disease association with Krabbe disease, as curated by ClinGen, and loss-of-function is an established disease mechanism for this autosomal recessive disorder. Consistent with this mechanism, 240 pathogenic or likely pathogenic loss-of-function variants have been reported in GALC, including 85 downstream truncating variants, supporting intolerance to protein truncation. The variant is extremely rare in population databases, observed in 1 of 1,570,186 alleles (allele frequency 6.37 × 10⁻⁷). In addition, this variant has been reported in the compound heterozygous state with a known pathogenic ~30 kb deletion in an individual affected with Krabbe disease (PMID: 32089546). Based on the cumulative evidence, this variant is classified as Pathogenic. (PVS1, PM2_Supporting, PM3)

Labcorp Genetics (formerly Invitae), Labcorp
Classification: Pathogenic for Galactosylceramide beta-galactosidase deficiency. Last evaluated: 2023-08-22. Review status: criteria provided, single submitter. Criteria: Invitae Variant Classification Sherloc (09022015). Collection method: clinical testing. Allele origin: germline.
Comment: This premature translational stop signal has been observed in individual(s) with a positive newborn screening result for GALC-related disease (PMID: 32089546). This variant is not present in population databases (gnomAD no frequency). This sequence change creates a premature translational stop signal (p.Gln424*) in the GALC gene. It is expected to result in an absent or disrupted protein product. Loss-of-function variants in GALC are known to be pathogenic (PMID: 7437911, 9272171, 16607461). ClinVar contains an entry for this variant (Variation ID: 1425129). For these reasons, this variant has been classified as Pathogenic. Algorithms developed to predict the effect of sequence changes on RNA splicing suggest that this variant may disrupt the consensus splice site.

Literature cited by the submitters: PubMed 32089546 (cited by Genelabs Medical  (pvt) Ltd and Labcorp Genetics (formerly Invitae), Labcorp); PubMed 7437911 (cited by Labcorp Genetics (formerly Invitae), Labcorp); PubMed 9272171 (cited by Labcorp Genetics (formerly Invitae), Labcorp); PubMed 16607461 (cited by Labcorp Genetics (formerly Invitae), Labcorp).